The following is an entry in ClinVar:

ClinVar aggregate classification (germline): Uncertain significance (1 of 4 stars; one submission).

Conditions:
Intellectual developmental disorder, autosomal dominant 72 (MRD72). Identifiers: Orphanet 652487, MedGen C5830612, MONDO:0957397, OMIM 620439.

Submission:

Juno Genomics, Hangzhou Juno Genomics, Inc
Classification: Uncertain significance for Intellectual developmental disorder, autosomal dominant 72. Review status: criteria provided, single submitter. Criteria: ACMG Guidelines, 2015. Collection method: clinical testing. Allele origin: germline.
Comment: Absent from controls (or at extremely low frequency if recessive) in Genome Aggregation Database.;Protein length changes due to in-frame deletions/insertions in a non-repeat region or stop-loss variants.

NM_016333.4(SRRM2):c.7638ATC[3] (p.Ser2556_Gly2557insSer)

Gene: SRRM2 (serine/arginine repetitive matrix 2; plus strand). Cytogenetic location: 16p13.3.
Variant type: Microsatellite.
Coding change: c.7638ATC[3] on transcript NM_016333.4 (MANE Select); three copies in a row of the 3-base unit ATC starting at c.7638; the reference has two copies in a row; one copy, 3 bases duplicated; also written c.7641_7643dup.
Protein change: p.Ser2556_Gly2557insSer.
Molecular consequence: inframe insertion.
Genome position (GRCh38, 1-based): chr16:2,768,169-2,768,171, ATC duplicated; duplicating any 3 consecutive bases within chr16:2,768,164-2,768,171 gives the same sequence; the position shown is the placement nearest the transcript's 3' end. VCF-style (leftmost placement, unchanged base first): chr16-2768163-T-TTCA. GRCh37 (hg19) VCF-style: chr16-2818164-T-TTCA.
Other names: c.7641_7643dup (NM_016333.4).
Identifiers: ClinVar variation 5005561 (VCV005005561.2).